The following is an entry in ClinVar:

ClinVar aggregate classification (germline): Uncertain significance (1 of 4 stars; one submission).

Allele frequency attached by ClinVar (database versions not stated): 1000 Genomes Project 0.00020; gnomAD exomes below 0.00001; ExAC 0.00001; 1000 Genomes Project 30x 0.00016.
gnomAD v4.1: 1 of 1,612,822 alleles (0.000062%); highest among the groups gnomAD compares: Admixed American, 0.0017%; no homozygotes.

Submission:

Labcorp Genetics (formerly Invitae), Labcorp
Classification: Uncertain significance. Last evaluated: 2022-07-26. Review status: criteria provided, single submitter. Criteria: Invitae Variant Classification Sherloc (09022015). Collection method: clinical testing. Allele origin: germline.
Comment: This sequence change replaces proline, which is neutral and non-polar, with alanine, which is neutral and non-polar, at codon 714 of the RBP3 protein (p.Pro714Ala). This variant is present in population databases (rs199522516, gnomAD 0.003%). This variant has not been reported in the literature in individuals affected with RBP3-related conditions. ClinVar contains an entry for this variant (Variation ID: 1402876). Algorithms developed to predict the effect of missense changes on protein structure and function are either unavailable or do not agree on the potential impact of this missense change (SIFT: "Tolerated"; PolyPhen-2: "Possibly Damaging"; Align-GVGD: "Class C0"). In summary, the available evidence is currently insufficient to determine the role of this variant in disease. Therefore, it has been classified as a Variant of Uncertain Significance.

NM_002900.3(RBP3):c.2140C>G (p.Pro714Ala)

Gene: RBP3 (retinol binding protein 3; plus strand). Cytogenetic location: 10q11.22.
Variant type: single nucleotide variant.
Coding change: c.2140C>G on transcript NM_002900.3 (MANE Select); coding-DNA position 2140, C replaced by G.
Protein change: p.Pro714Ala; replaces proline 714 with alanine.
Molecular consequence: missense variant.
Genome position (GRCh38, 1-based): chr10:47,350,624, C>G. VCF-style: chr10-47350624-C-G. GRCh37 (hg19) VCF-style: chr10-48388738-G-C.
Other names: short protein forms P714A.
Identifiers: ClinVar variation 1402876 (VCV001402876.5), dbSNP rs199522516, ClinGen allele CA5487347.
Genomic context (GRCh38, chr10:47,350,624, plus strand): 5'-TCTGGGGACCACCGCTTGCTAGTGTTCCACAGCCCTGGCGAGCTGGTGGTAGAGGAAGCA[C>G]CCCCACCACCCCCTGCTGTCCCCTCTCCAGAGGAGCTCACCTACCTTATTGAGGCCCTGT-3'
Protein context (NP_002891.1, residues 704-724): SPGELVVEEA[Pro714Ala]PPPPAVPSPE